The following is an entry in ClinVar:

NM_020937.4(FANCM):c.3838C>G (p.Leu1280Val)

Gene: FANCM (FA complementation group M; plus strand). Cytogenetic location: 14q21.2.
Variant type: single nucleotide variant.
Coding change: c.3838C>G on transcript NM_020937.4 (MANE Select); coding-DNA position 3838, C replaced by G.
Protein change: p.Leu1280Val; replaces leucine 1280 with valine.
Molecular consequence: missense variant.
Genome position (GRCh38, 1-based): chr14:45,176,592, C>G. VCF-style: chr14-45176592-C-G. GRCh37 (hg19) VCF-style: chr14-45645795-C-G.
Other names: c.3760C>G, p.Leu1254Val (NM_001308133.2); short protein forms L1254V, L1280V.
Identifiers: ClinVar variation 3603258 (VCV003603258.2).

ClinVar aggregate classification (germline): Conflicting classifications of pathogenicity. Review status: criteria provided, conflicting classifications (1 of 4 stars). 2 submissions from 2 submitters: Uncertain significance (1); Likely benign (1). Last evaluated 2025-07-10.

Conditions:
Inborn genetic diseases. Identifiers: MedGen C0950123, MeSH D030342.

Submissions (2):

Ambry Genetics
Classification: Likely benign for Inborn genetic diseases. Last evaluated: 2025-07-10. Review status: criteria provided, single submitter. Criteria: Ambry Variant Classification Scheme 2023. Collection method: clinical testing. Allele origin: germline.

GeneDx
Classification: Uncertain significance. Last evaluated: 2024-08-07. Review status: criteria provided, single submitter. Criteria: GeneDx Variant Classification Process June 2021. Collection method: clinical testing. Allele origin: germline. Affected: yes.
Comment: Not observed at significant frequency in large population cohorts (gnomAD); In silico analysis indicates that this missense variant does not alter protein structure/function; Has not been previously published as pathogenic or benign to our knowledge